The following is an entry in ClinVar:

ClinVar aggregate classification (germline): Uncertain significance (1 of 4 stars; one submission).

Conditions:
Hereditary cancer-predisposing syndrome. Also called: Hereditary Cancer Syndrome; Hereditary neoplastic syndrome; Neoplastic Syndromes, Hereditary; Tumor predisposition. Identifiers: Orphanet 140162, MedGen C0027672, MeSH D009386, MONDO:0015356.

Submission:

Ambry Genetics
Classification: Uncertain significance for Hereditary cancer-predisposing syndrome. Last evaluated: 2021-12-09. Review status: criteria provided, single submitter. Criteria: Ambry Variant Classification Scheme 2023. Collection method: clinical testing. Allele origin: germline.
Comment: The p.I322S variant (also known as c.965T>G), located in coding exon 8 of the STK11 gene, results from a T to G substitution at nucleotide position 965. The isoleucine at codon 322 is replaced by serine, an amino acid with dissimilar properties. This amino acid position is highly conserved in available vertebrate species. In addition, the in silico prediction for this alteration is inconclusive. Since supporting evidence is limited at this time, the clinical significance of this alteration remains unclear.

NM_000455.5(STK11):c.965T>G (p.Ile322Ser)

Gene: STK11 (serine/threonine kinase 11; plus strand). Cytogenetic location: 19p13.3.
Variant type: single nucleotide variant.
Coding change: c.965T>G on transcript NM_000455.5 (MANE Select); coding-DNA position 965, T replaced by G.
Protein change: p.Ile322Ser; replaces isoleucine 322 with serine.
Molecular consequence: missense variant.
Genome position (GRCh38, 1-based): chr19:1,223,029, T>G. VCF-style: chr19-1223029-T-G. GRCh37 (hg19) VCF-style: chr19-1223028-T-G.
Other names: c.965T>G, p.Ile322Ser (NM_001407255.1); short protein forms I322S.
Identifiers: ClinVar variation 1767702 (VCV001767702.2), dbSNP rs2512948814, ClinGen allele CA402951563.
Genomic context (GRCh38, chr19:1,223,029, plus strand): 5'-TTCTGGGCGTTTGCAGCTGGTTCCGGAAGAAACATCCTCCGGCTGAAGCACCAGTGCCCA[T>G]CCCACCGAGCCCAGACACCAAGGACCGGTGGCGCAGCATGACTGTGGTGCCGTACTTGGA-3'
Protein context (NP_000446.1, residues 312-332): KHPPAEAPVP[Ile322Ser]PPSPDTKDRW